The following is an entry in ClinVar:

ClinVar aggregate classification (germline): Uncertain significance. Review status: criteria provided, multiple submitters, no conflicts (2 of 4 stars). 2 submissions from 2 submitters: Uncertain significance (2). Last evaluated 2025-03-06.

Allele frequency attached by ClinVar (database versions not stated): gnomAD exomes below 0.00001; TOPMed 0.00001.
gnomAD v4.1: 5 of 1,207,443 alleles (0.00041%); highest among the groups gnomAD compares: Non-Finnish European, 0.00056%; no homozygotes.

Submissions (2):

Women's Health and Genetics/Laboratory Corporation of America, LabCorp
Classification: Uncertain significance. Last evaluated: 2025-03-06. Review status: criteria provided, single submitter. Criteria: LabCorp Variant Classification Summary - May 2015. Collection method: clinical testing. Allele origin: germline.
Comment: Variant summary: HCFC1 c.6089C>G (p.Ser2030Cys) results in a non-conservative amino acid change in the encoded protein sequence. Four of five in-silico tools predict a benign effect of the variant on protein function. The variant was absent in 180276 control chromosomes. The available data on variant occurrences in the general population are insufficient to allow any conclusion about variant significance. To our knowledge, no occurrence of c.6089C>G in individuals affected with Methylmalonic Acidemia With Homocystinuria and no experimental evidence demonstrating its impact on protein function have been reported. ClinVar contains an entry for this variant (Variation ID: 1335798). Based on the evidence outlined above, the variant was classified as uncertain significance.

CeGaT Center for Human Genetics Tuebingen
Classification: Uncertain significance. Last evaluated: 2021-10-01. Review status: criteria provided, single submitter. Criteria: CeGaT Center For Human Genetics Tuebingen Variant Classification Criteria Version 2. Collection method: clinical testing. Allele origin: germline. Affected: yes. Observed: 1 variant allele.

NM_005334.3(HCFC1):c.6089C>G (p.Ser2030Cys)

Gene: HCFC1 (host cell factor C1; minus strand). Cytogenetic location: Xq28.
Variant type: single nucleotide variant.
Coding change: c.6089C>G on transcript NM_005334.3 (MANE Select); coding-DNA position 6089, C replaced by G.
Protein change: p.Ser2030Cys; replaces serine 2030 with cysteine.
Molecular consequence: missense variant.
Genome position (GRCh38, 1-based): chrX:153,949,366, G>C on the plus strand (C>G on the coding strand, the complement: HCFC1 is on the minus strand). VCF-style: chrX-153949366-G-C. GRCh37 (hg19) VCF-style: chrX-153214817-G-C.
Other names: short protein forms S2030C.
Identifiers: ClinVar variation 1335798 (VCV001335798.36), dbSNP rs1344145002, ClinGen allele CA415101746.